The following is an entry in ClinVar:

ClinVar aggregate classification (germline): Uncertain significance (1 of 4 stars; one submission).

Submission:

GeneDx
Classification: Uncertain significance. Last evaluated: 2022-12-19. Review status: criteria provided, single submitter. Criteria: GeneDx Variant Classification Process June 2021. Collection method: clinical testing. Allele origin: germline. Affected: yes.
Comment: Not observed at significant frequency in large population cohorts (gnomAD); In silico analysis supports that this missense variant has a deleterious effect on protein structure/function; Has not been previously published as pathogenic or benign to our knowledge; Also known as 3374A>G

NM_000059.4(BRCA2):c.3146A>G (p.Asn1049Ser)

Gene: BRCA2 (BRCA2 DNA repair associated; plus strand). Cytogenetic location: 13q13.1.
Variant type: single nucleotide variant.
Coding change: c.3146A>G on transcript NM_000059.4 (MANE Select); coding-DNA position 3146, A replaced by G.
Protein change: p.Asn1049Ser; replaces asparagine 1049 with serine.
Molecular consequence: missense variant. On other transcripts: non-coding transcript variant (1), intron variant (2).
Genome position (GRCh38, 1-based): chr13:32,337,501, A>G. VCF-style: chr13-32337501-A-G. GRCh37 (hg19) VCF-style: chr13-32911638-A-G.
Other names: c.3146A>G, p.Asn1049Ser (NM_001406719.1, NM_001406720.1); c.1909+4114A>G (NM_001406721.1); c.424+6471A>G (NM_001406722.1); short protein forms N1049S.
Identifiers: ClinVar variation 2505696 (VCV002505696.1), dbSNP rs1555283064, ClinGen allele CA387775758.